The following is an entry in ClinVar:

ClinVar aggregate classification (germline): Uncertain significance (1 of 4 stars; one submission).

Conditions:
Diamond-Blackfan anemia. Also called: Blackfan Diamond syndrome; Aregenerative anemia chronic congenital; Red cell aplasia, pure hereditary; Congenital hypoplastic anemia; Aase syndrome. Identifiers: Orphanet 124, MedGen C1260899, MeSH D029503, MONDO:0015253, HP:0004810.

gnomAD v4.1: 3 of 1,614,130 alleles (0.00019%); highest among the groups gnomAD compares: Non-Finnish European, 0.00025%; no homozygotes.

Submission:

Labcorp Genetics (formerly Invitae), Labcorp
Classification: Uncertain significance for Diamond-Blackfan anemia. Last evaluated: 2024-04-16. Review status: criteria provided, single submitter. Criteria: Invitae Variant Classification Sherloc (09022015). Collection method: clinical testing. Allele origin: germline.
Comment: This sequence change replaces arginine, which is basic and polar, with histidine, which is basic and polar, at codon 18 of the RPL11 protein (p.Arg18His). This variant is not present in population databases (gnomAD no frequency). This variant has not been reported in the literature in individuals affected with RPL11-related conditions. An algorithm developed to predict the effect of missense changes on protein structure and function (PolyPhen-2) suggests that this variant is likely to be tolerated. In summary, the available evidence is currently insufficient to determine the role of this variant in disease. Therefore, it has been classified as a Variant of Uncertain Significance.

NM_000975.5(RPL11):c.53G>A (p.Arg18His)

Gene: RPL11 (ribosomal protein L11; plus strand). Cytogenetic location: 1p36.11.
Variant type: single nucleotide variant.
Coding change: c.53G>A on transcript NM_000975.5 (MANE Select); coding-DNA position 53, G replaced by A.
Protein change: p.Arg18His; replaces arginine 18 with histidine.
Molecular consequence: missense variant.
Genome position (GRCh38, 1-based): chr1:23,692,655, G>A. VCF-style: chr1-23692655-G-A. GRCh37 (hg19) VCF-style: chr1-24019145-G-A.
Other names: c.50G>A, p.Arg17His (NM_001199802.1); short protein forms R17H, R18H.
Identifiers: ClinVar variation 3655811 (VCV003655811.2).
Genomic context (GRCh38, chr1:23,692,655, plus strand): 5'-CTTCCCTGTTGCAGCAGGATCAAGGTGAAAAGGAGAACCCCATGCGGGAACTTCGCATCC[G>A]CAAACTCTGTCTCAACATCTGTGTTGGGGAGAGTGGAGACAGACTGACGCGAGCAGCCAA-3'
Protein context (NP_000966.2, residues 8-28): KENPMRELRI[Arg18His]KLCLNICVGE